The following is an entry in ClinVar:

ClinVar aggregate classification (germline): Conflicting classifications of pathogenicity. Review status: criteria provided, conflicting classifications (1 of 4 stars). 3 submissions from 3 submitters: Uncertain significance (1); Benign (1). 1 of the submissions does not count toward it. Last evaluated 2018-01-13.

Conditions:
GFM1-related disorder. Also called: GFM1-related condition.
Hepatoencephalopathy due to combined oxidative phosphorylation defect type 1. Also called: HEPATOENCEPHALOPATHY, EARLY FATAL PROGRESSIVE. Identifiers: Orphanet 137681, MedGen C1836797, MONDO:0012191, OMIM 609060.

Allele frequency attached by ClinVar (database versions not stated): ESP Exome Variant Server 0.00017; gnomAD 0.00037; gnomAD exomes 0.00040 and 0.00064; TOPMed 0.00053; ExAC 0.00058.
gnomAD v4.1: 933 of 1,536,642 alleles (0.061%); highest among the groups gnomAD compares: Middle Eastern, 0.33%; 1 homozygote.

Submissions (3):

Illumina Laboratory Services, Illumina
Classification: Uncertain significance for Hepatoencephalopathy due to combined oxidative phosphorylation defect type 1. Last evaluated: 2018-01-13. Review status: criteria provided, single submitter. Criteria: ICSL Variant Classification Criteria 13 December 2019. Collection method: clinical testing. Allele origin: germline.

GeneDx
Classification: Benign. Last evaluated: 2013-04-19. Review status: criteria provided, single submitter. Criteria: GeneDx Variant Classification (06012015). Collection method: clinical testing. Allele origin: germline. Affected: yes.
Comment: This variant is considered likely benign or benign based on one or more of the following criteria: it is a conservative change, it occurs at a poorly conserved position in the protein, it is predicted to be benign by multiple in silico algorithms, and/or has population frequency not consistent with disease.

PreventionGenetics, part of Exact Sciences
Classification: Likely benign for GFM1-related condition. Last evaluated: 2021-10-25. Review status: no assertion criteria provided. Collection method: clinical testing. Allele origin: germline. Not counted in ClinVar's aggregate classification.
Comment: This variant is classified as likely benign based on ACMG/AMP sequence variant interpretation guidelines (Richards et al. 2015 PMID: 25741868, with internal and published modifications).

NM_024996.7(GFM1):c.-38C>T

Gene: GFM1 (G elongation factor mitochondrial 1; plus strand). Cytogenetic location: 3q25.32.
Variant type: single nucleotide variant.
Coding change: c.-38C>T on transcript NM_024996.7 (MANE Select); 38 bases upstream of the start codon, C replaced by T.
Molecular consequence: 5 prime UTR variant. On other transcripts: non-coding transcript variant (4).
Genome position (GRCh38, 1-based): chr3:158,644,597, C>T. VCF-style: chr3-158644597-C-T. GRCh37 (hg19) VCF-style: chr3-158362386-C-T.
Other names: c.-38C>T (NM_001308164.2, NM_001308166.2, NM_001374355.1 and 3 more transcripts); c.-429C>T (NM_001374357.1); c.-267C>T (NM_001374359.1, NM_001374360.1, NM_001374361.1).
Identifiers: ClinVar variation 137468 (VCV000137468.7), dbSNP rs377352238, ClinGen allele CA291068.